The following is an entry in ClinVar:

ClinVar aggregate classification (germline): Pathogenic. Review status: reviewed by expert panel (3 of 4 stars). 2 submissions from 2 submitters: Pathogenic (1). 1 of the submissions does not count toward it. Last evaluated 2016-04-22.

Conditions:
Breast-ovarian cancer, familial, susceptibility to, 1 (BROVCA1). Also called: BRCA1 Hereditary Breast and Ovarian Cancer; OVARIAN CANCER, SUSCEPTIBILITY TO. Identifiers: Orphanet 145, MedGen C2676676, MONDO:0011450, OMIM 604370. Disease mechanism: loss of function.

Submissions (2):

Evidence-based Network for the Interpretation of Germline Mutant Alleles (ENIGMA)
Classification: Pathogenic for Breast-ovarian cancer, familial, susceptibility to, 1. Last evaluated: 2016-04-22. Review status: reviewed by expert panel. Criteria: ENIGMA BRCA1/2 Classification Criteria (2015). Collection method: curation. Allele origin: germline.
Comment: Variant allele predicted to encode a truncated non-functional protein.

Consortium of Investigators of Modifiers of BRCA1/2 (CIMBA), c/o University of Cambridge
Classification: Pathogenic for Breast-ovarian cancer, familial, susceptibility to, 1. Last evaluated: 2015-10-02. Review status: criteria provided, single submitter. Criteria: CIMBA Mutation Classification guidelines May 2016. Collection method: clinical testing. Allele origin: germline. Not counted in ClinVar's aggregate classification.

NM_007294.4(BRCA1):c.4570del (p.Ser1524fs)

Gene: BRCA1 (BRCA1 DNA repair associated; minus strand). Cytogenetic location: 17q21.31.
Variant type: Deletion.
Coding change: c.4570del on transcript NM_007294.4 (MANE Select); coding-DNA position 4570, one base deleted (T; older notation c.4570delT).
Protein change: p.Ser1524fs; shifts the reading frame from serine 1524.
Molecular consequence: frameshift variant. On other transcripts: non-coding transcript variant (1).
Genome position (GRCh38, 1-based): chr17:43,074,436, A deleted on the plus strand (T on the coding strand, the reverse complement: BRCA1 is on the minus strand). VCF-style (leftmost placement, unchanged base first): chr17-43074435-GA-G. GRCh37 (hg19) VCF-style: chr17-41226452-GA-G.
Other names: 4689delT; c.4423delT, p.Ser1475Leufs (NM_001407852.1, NM_001407853.1, NM_001407838.1 and 12 more transcripts); c.4570delT, p.Ser1524Leufs (NM_001407854.1, NM_001407593.1, NM_001407594.1 and 8 more transcripts); c.4567delT, p.Ser1523Leufs (NM_001407858.1, NM_001407859.1, NM_001407860.1 and 17 more transcripts); c.4564delT, p.Ser1522Leufs (NM_001407861.1, NM_001407627.1, NM_001407628.1 and 14 more transcripts); c.4369delT, p.Ser1457Leufs (NM_001407862.1); c.4444delT, p.Ser1482Leufs (NM_001407863.1, NM_001407939.1, NM_001407940.1 and 11 more transcripts); c.4363delT, p.Ser1455Leufs (NM_001407874.1, NM_001407875.1); and 72 more; short protein forms S420fs, S1524fs, S1477fs, S1545fs.
Identifiers: ClinVar variation 236271 (VCV000236271.4), dbSNP rs878853293, ClinGen allele CA10581599.